The following is an entry in ClinVar:

ClinVar aggregate classification (germline): Benign. Review status: criteria provided, multiple submitters, no conflicts (2 of 4 stars). 4 submissions from 4 submitters: Benign (4). Last evaluated 2026-02-04.

Conditions:
Capillary malformation-arteriovenous malformation syndrome. Also called: Capillary malformation-arteriovenous malformation. Identifiers: Orphanet 137667, MedGen C1842180, MONDO:0012016.

Submissions (12):

Labcorp Genetics (formerly Invitae), Labcorp
Classification: Benign for Capillary malformation-arteriovenous malformation syndrome. Last evaluated: 2026-02-04. Review status: criteria provided, single submitter. Criteria: Invitae Variant Classification Sherloc (09022015). Collection method: clinical testing. Allele origin: germline.

Blueprint Genetics
Classification: Benign. Last evaluated: 2024-11-26. Review status: criteria provided, single submitter. Criteria: ACMG Guidelines, 2015. Collection method: clinical testing. Allele origin: germline.

ARUP Laboratories, Molecular Genetics and Genomics, ARUP Laboratories
Classification: Benign. Last evaluated: 2018-10-01. Review status: criteria provided, single submitter. Criteria: ARUP Molecular Germline Variant Investigation Process. Collection method: clinical testing. Allele origin: germline.

GeneDx
Classification: Benign. Last evaluated: 2017-02-24. Review status: criteria provided, single submitter. Criteria: GeneDx Variant Classification (06012015). Collection method: clinical testing. Allele origin: germline. Affected: yes.
Comment: This variant is considered likely benign or benign based on one or more of the following criteria: it is a conservative change, it occurs at a poorly conserved position in the protein, it is predicted to be benign by multiple in silico algorithms, and/or has population frequency not consistent with disease.

Dr. Peter K. Rogan Lab, Western University
No classification provided (evidence only). Condition: Gastric cancer. Review status: no classification provided. Collection method: in vitro. Allele origin: not applicable. Functional consequence: retained intron. Not counted in ClinVar's aggregate classification.

Dr. Peter K. Rogan Lab, Western University
No classification provided (evidence only). Condition: Uterine corpus endometrial carcinoma. Review status: no classification provided. Collection method: in vitro. Allele origin: not applicable. Functional consequence: skipped exon. Not counted in ClinVar's aggregate classification.

Dr. Peter K. Rogan Lab, Western University
No classification provided (evidence only). Condition: Uterine corpus endometrial carcinoma. Review status: no classification provided. Collection method: in vitro. Allele origin: not applicable. Functional consequence: retained intron. Not counted in ClinVar's aggregate classification.

Dr. Peter K. Rogan Lab, Western University
No classification provided (evidence only). Condition: Uterine corpus endometrial carcinoma. Review status: no classification provided. Collection method: in vitro. Allele origin: not applicable. Functional consequence: retained intron. Not counted in ClinVar's aggregate classification.

Dr. Peter K. Rogan Lab, Western University
No classification provided (evidence only). Condition: Malignant tumor of esophagus. Review status: no classification provided. Collection method: in vitro. Allele origin: not applicable. Functional consequence: skipped exon. Not counted in ClinVar's aggregate classification.

Dr. Peter K. Rogan Lab, Western University
No classification provided (evidence only). Condition: Malignant tumor of esophagus. Review status: no classification provided. Collection method: in vitro. Allele origin: not applicable. Functional consequence: retained intron. Not counted in ClinVar's aggregate classification.

Dr. Peter K. Rogan Lab, Western University
No classification provided (evidence only). Condition: Malignant tumor of esophagus. Review status: no classification provided. Collection method: in vitro. Allele origin: not applicable. Functional consequence: retained intron. Not counted in ClinVar's aggregate classification.

Dr. Peter K. Rogan Lab, Western University
No classification provided (evidence only). Condition: Nonpapillary renal cell carcinoma. Review status: no classification provided. Collection method: in vitro. Allele origin: not applicable. Functional consequence: retained intron. Not counted in ClinVar's aggregate classification.

NM_002890.3(RASA1):c.1454-7del

Genes: CCNH (cyclin H; minus strand), RASA1 (RAS p21 protein activator 1; plus strand). Cytogenetic location: 5q14.3.
Variant type: Deletion.
Coding change: c.1454-7del on transcript NM_002890.3 (MANE Select); 7 bases into the intron before coding-DNA position 1454, one base deleted (T; older notation c.1454-7delT).
Molecular consequence: intron variant.
Genome position (GRCh38, 1-based): chr5:87,363,341, T deleted; the last of 11 consecutive T bases (chr5:87,363,331-87,363,341); deleting any one gives the same sequence. VCF-style (leftmost placement, unchanged base first): chr5-87363330-AT-A. GRCh37 (hg19) VCF-style: chr5-86659147-AT-A.
Other names: NC_000005.9:g.86659158del; c.923-7del (NM_022650.3); c.933+31713del (NM_001364075.2); c.1454-17delT (NM_002890.2).
Identifiers: ClinVar variation 506442 (VCV000506442.19), dbSNP rs60835976, ClinGen allele CA3335769.